The following is an entry in ClinVar:

NM_022455.5(NSD1):c.5314G>C (p.Ala1772Pro)

Genes: NSD1 (nuclear receptor binding SET domain protein 1; plus strand), LOC126807619 (MED14-independent group 3 enhancer GRCh37_chr5:176696443-176697642; plus strand). Cytogenetic location: 5q35.3.
Variant type: single nucleotide variant.
Coding change: c.5314G>C on transcript NM_022455.5 (MANE Select); coding-DNA position 5314, G replaced by C.
Protein change: p.Ala1772Pro; replaces alanine 1772 with proline.
Molecular consequence: missense variant.
Genome position (GRCh38, 1-based): chr5:177,269,612, G>C. VCF-style: chr5-177269612-G-C. GRCh37 (hg19) VCF-style: chr5-176696613-G-C.
Other names: c.4441G>C, p.Ala1481Pro (NM_001365684.2, NM_001409308.1, NM_001409309.1 and 1 more transcripts); c.5314G>C, p.Ala1772Pro (NM_001409301.1, NM_001409302.1, NM_001409303.1); c.4894G>C, p.Ala1632Pro (NM_001409304.1); c.4561G>C, p.Ala1521Pro (NM_001409305.1); c.4552G>C, p.Ala1518Pro (NM_001409306.1, NM_001409307.1); short protein forms A1481P, A1518P, A1521P, A1632P, A1772P.
Identifiers: ClinVar variation 3730896 (VCV003730896.2).

ClinVar aggregate classification (germline): Pathogenic (1 of 4 stars; one submission).

Submission:

GeneDx
Classification: Pathogenic. Last evaluated: 2025-12-03. Review status: criteria provided, single submitter. Criteria: GeneDx Variant Classification Process June 2021. Collection method: clinical testing. Allele origin: germline.
Comment: Not observed at significant frequency in large population cohorts (gnomAD); In silico analysis supports that this missense variant has a deleterious effect on protein structure/function; Has not been previously published as pathogenic or benign to our knowledge